The following is an entry in ClinVar:

NM_002691.4(POLD1):c.3322T>A (p.Ter1108Arg)

Gene: POLD1 (DNA polymerase delta 1, catalytic subunit; plus strand). Cytogenetic location: 19q13.33.
Variant type: single nucleotide variant.
Coding change: c.3322T>A on transcript NM_002691.4 (MANE Select); coding-DNA position 3322, T replaced by A.
Protein change: p.Ter1108Arg.
Molecular consequence: stop lost. On other transcripts: non-coding transcript variant (1).
Genome position (GRCh38, 1-based): chr19:50,417,945, T>A. VCF-style: chr19-50417945-T-A. GRCh37 (hg19) VCF-style: chr19-50921202-T-A.
Other names: *1108R; c.3322T>A, p.Ter1108Arg (NM_001256849.1); c.3400T>A, p.Ter1134Arg (NM_001308632.1).
Identifiers: ClinVar variation 639195 (VCV000639195.6), dbSNP rs1601254578, ClinGen allele CA406987911.

ClinVar aggregate classification (germline): Uncertain significance (1 of 4 stars; one submission).

Conditions:
POLD1-related polyposis and colorectal cancer syndrome (CRCS10). Also called: Colorectal cancer, susceptibility to, 10; Colorectal cancer 10; COLORECTAL CANCER, SUSCEPTIBILITY TO, ON CHROMOSOME 19q. Identifiers: Orphanet 220460, MedGen C2675481, MONDO:0012953, OMIM 612591.

Submission:

Labcorp Genetics (formerly Invitae), Labcorp
Classification: Uncertain significance for POLD1-related polyposis and colorectal cancer syndrome. Last evaluated: 2024-11-03. Review status: criteria provided, single submitter. Criteria: Invitae Variant Classification Sherloc (09022015). Collection method: clinical testing. Allele origin: germline.
Comment: This sequence change disrupts the translational stop signal of the POLD1 mRNA. It is expected to extend the length of the POLD1 protein by an uncertain number of additional amino acid residues. This variant is not present in population databases (gnomAD no frequency). This variant has not been reported in the literature in individuals affected with POLD1-related conditions. ClinVar contains an entry for this variant (Variation ID: 639195). Experimental studies and prediction algorithms are not available or were not evaluated, and the functional significance of this variant is currently unknown. In summary, the available evidence is currently insufficient to determine the role of this variant in disease. Therefore, it has been classified as a Variant of Uncertain Significance.